The following is an entry in ClinVar:

NM_000059.4(BRCA2):c.6950A>T (p.Asp2317Val)

Gene: BRCA2 (BRCA2 DNA repair associated; plus strand). Cytogenetic location: 13q13.1.
Variant type: single nucleotide variant.
Coding change: c.6950A>T on transcript NM_000059.4 (MANE Select); coding-DNA position 6950, A replaced by T.
Protein change: p.Asp2317Val; replaces aspartic acid 2317 with valine.
Molecular consequence: missense variant. On other transcripts: non-coding transcript variant (1).
Genome position (GRCh38, 1-based): chr13:32,346,839, A>T. VCF-style: chr13-32346839-A-T. GRCh37 (hg19) VCF-style: chr13-32920976-A-T.
Other names: c.6854A>T, p.Asp2285Val (NM_001406719.1); c.6950A>T, p.Asp2317Val (NM_001406720.1, NM_001432077.1); c.2018A>T, p.Asp673Val (NM_001406721.1); c.533A>T, p.Asp178Val (NM_001406722.1); short protein forms D673V, D2285V, D178V, D2317V.
Identifiers: ClinVar variation 3636513 (VCV003636513.2).

ClinVar aggregate classification (germline): Uncertain significance (1 of 4 stars; one submission).

Conditions:
Hereditary breast ovarian cancer syndrome. Also called: Hereditary breast and ovarian cancer syndrome; Hereditary breast and ovarian cancer syndrome (HBOC); BRCA1- and BRCA2-Associated Hereditary Breast and Ovarian Cancer; Hereditary breast and ovarian cancer; Breast and ovarian cancer; Hereditary breast and/or ovarian cancer syndrome. Identifiers: Orphanet 145, MedGen C0677776, MeSH D061325, MONDO:0003582. Disease mechanism: loss of function.

Submission:

Labcorp Genetics (formerly Invitae), Labcorp
Classification: Uncertain significance for Hereditary breast ovarian cancer syndrome. Last evaluated: 2024-04-06. Review status: criteria provided, single submitter. Criteria: Invitae Variant Classification Sherloc (09022015). Collection method: clinical testing. Allele origin: germline.
Comment: This sequence change replaces aspartic acid, which is acidic and polar, with valine, which is neutral and non-polar, at codon 2317 of the BRCA2 protein (p.Asp2317Val). This variant is not present in population databases (gnomAD no frequency). This variant has not been reported in the literature in individuals affected with BRCA2-related conditions. Advanced modeling of protein sequence and biophysical properties (such as structural, functional, and spatial information, amino acid conservation, physicochemical variation, residue mobility, and thermodynamic stability) performed at Invitae indicates that this missense variant is not expected to disrupt BRCA2 protein function with a negative predictive value of 95%. In summary, the available evidence is currently insufficient to determine the role of this variant in disease. Therefore, it has been classified as a Variant of Uncertain Significance.